The following is an entry in ClinVar:

NM_000023.4(SGCA):c.225del (p.Trp75fs)

Gene: SGCA (sarcoglycan alpha; plus strand). Cytogenetic location: 17q21.33.
Variant type: Deletion.
Coding change: c.225del on transcript NM_000023.4 (MANE Select); coding-DNA position 225, one base deleted (G; older notation c.225delG).
Protein change: p.Trp75fs; shifts the reading frame from tryptophan 75.
Molecular consequence: frameshift variant. On other transcripts: non-coding transcript variant (1).
Genome position (GRCh38, 1-based): chr17:50,167,649, G deleted; the last of 2 consecutive G bases (chr17:50,167,648-50,167,649); deleting either gives the same sequence. VCF-style (leftmost placement, unchanged base first): chr17-50167647-TG-T. GRCh37 (hg19) VCF-style: chr17-48245008-TG-T.
Other names: c.225del, p.Trp75fs (NM_001135697.3); short protein forms W75fs.
Identifiers: ClinVar variation 2029637 (VCV002029637.4), dbSNP rs2509118810, ClinGen allele CA2580094135.

ClinVar aggregate classification (germline): Pathogenic (1 of 4 stars; one submission).

Conditions:
Autosomal recessive limb-girdle muscular dystrophy type 2D (LGMDR3). Also called: DUCHENNE-LIKE AUTOSOMAL RECESSIVE MUSCULAR DYSTROPHY, TYPE 2; MUSCULAR DYSTROPHY, LIMB-GIRDLE, AUTOSOMAL RECESSIVE 3; ADHALINOPATHY, PRIMARY. Identifiers: Orphanet 62, MedGen C2936332, MONDO:0011968, OMIM 608099. Disease mechanism: Affects gamma-sarcoglycan and also disrupts the integrity of the entire sarcoglycan complex..

Submission:

Labcorp Genetics (formerly Invitae), Labcorp
Classification: Pathogenic for Autosomal recessive limb-girdle muscular dystrophy type 2D. Last evaluated: 2022-09-09. Review status: criteria provided, single submitter. Criteria: Invitae Variant Classification Sherloc (09022015). Collection method: clinical testing. Allele origin: germline.
Comment: For these reasons, this variant has been classified as Pathogenic. This variant has not been reported in the literature in individuals affected with SGCA-related conditions. This variant is not present in population databases (gnomAD no frequency). This sequence change creates a premature translational stop signal (p.Trp75Cysfs*136) in the SGCA gene. It is expected to result in an absent or disrupted protein product. Loss-of-function variants in SGCA are known to be pathogenic (PMID: 9192266).

Literature cited by the submitters: PubMed 9192266.